The following is an entry in ClinVar:

NM_004667.6(HERC2):c.12943G>A (p.Ala4315Thr)

Gene: HERC2 (HECT and RLD domain containing E3 ubiquitin protein ligase 2; minus strand). Cytogenetic location: 15q13.1.
Variant type: single nucleotide variant.
Coding change: c.12943G>A on transcript NM_004667.6 (MANE Select); coding-DNA position 12943, G replaced by A.
Protein change: p.Ala4315Thr; replaces alanine 4315 with threonine.
Molecular consequence: missense variant.
Genome position (GRCh38, 1-based): chr15:28,125,053, C>T on the plus strand (G>A on the coding strand, the complement: HERC2 is on the minus strand). VCF-style: chr15-28125053-C-T. GRCh37 (hg19) VCF-style: chr15-28370199-C-T.
Other names: short protein forms A4315T.
Identifiers: ClinVar variation 1031456 (VCV001031456.1), dbSNP rs765243004, ClinGen allele CA7440180.
Genomic context (GRCh38, chr15:28,125,053, plus strand): 5'-TGCCCGGACTCACCTGTGCAGGGAGTTTGCCAGCACTGGCGGGCTTGCTGGTCGACCAGG[C>T]GAGGGTATGTGCTGAGCCACAGGCCACACGGTTGACCTTCTTACCCTGAAGGGCAGCTAC-3'
Protein context (NP_004658.3, residues 4305-4325): RVACGSAHTL[Ala4315Thr]WSTSKPASAG

ClinVar aggregate classification (germline): Uncertain significance (1 of 4 stars; one submission).

Conditions:
Developmental delay with autism spectrum disorder and gait instability (MRT38). Also called: Intellectual developmental disorder, autosomal recessive 38. Identifiers: Orphanet 329195, MedGen C3809753, MONDO:0014224, OMIM 615516.

Allele frequency attached by ClinVar (database versions not stated): ExAC 0.00001.
gnomAD v4.1: 6 of 1,609,904 alleles (0.00037%); highest among the groups gnomAD compares: South Asian, 0.0044%; no homozygotes.

Submission:

Baylor Genetics
Classification: Uncertain significance for Developmental delay with autism spectrum disorder and gait instability. Last evaluated: 2018-11-18. Review status: criteria provided, single submitter. Criteria: ACMG Guidelines, 2015. Collection method: clinical testing. Allele origin: maternal. Affected: yes.
Comment: This variant was determined to be of uncertain significance according to ACMG Guidelines, 2015 [PMID:25741868].